The following is an entry in ClinVar:

ClinVar aggregate classification (germline): Pathogenic (1 of 4 stars; one submission).

Conditions:
3-methylcrotonyl-CoA carboxylase 1 deficiency (MCC1D). Also called: MCCD TYPE 1; METHYLCROTONYLGLYCINURIA TYPE I; MCC 1 deficiency; 3 Alpha methylcrotonylglycinuria 1. Identifiers: Orphanet 6, MedGen CN028786, MONDO:0008861, OMIM 210200.

Submission:

Labcorp Genetics (formerly Invitae), Labcorp
Classification: Pathogenic for 3-methylcrotonyl-CoA carboxylase 1 deficiency. Last evaluated: 2023-04-20. Review status: criteria provided, single submitter. Criteria: Invitae Variant Classification Sherloc (09022015). Collection method: clinical testing. Allele origin: germline.
Comment: This variant is not present in population databases (gnomAD no frequency). This sequence change creates a premature translational stop signal (p.Gly593*) in the MCCC1 gene. It is expected to result in an absent or disrupted protein product. Loss-of-function variants in MCCC1 are known to be pathogenic (PMID: 11181649, 15359379, 22642865). This variant has not been reported in the literature in individuals affected with MCCC1-related conditions. For these reasons, this variant has been classified as Pathogenic.

Literature cited by the submitters: PubMed 11181649; PubMed 15359379; PubMed 22642865.

NM_020166.5(MCCC1):c.1777G>T (p.Gly593Ter)

Gene: MCCC1 (methylcrotonyl-CoA carboxylase subunit 1; minus strand). Cytogenetic location: 3q27.1.
Variant type: single nucleotide variant.
Coding change: c.1777G>T on transcript NM_020166.5 (MANE Select); coding-DNA position 1777, G replaced by T.
Protein change: p.Gly593Ter; replaces glycine 593 with a stop codon.
Molecular consequence: nonsense. On other transcripts: non-coding transcript variant (2).
Genome position (GRCh38, 1-based): chr3:183,022,509, C>A on the plus strand (G>T on the coding strand, the complement: MCCC1 is on the minus strand). VCF-style: chr3-183022509-C-A. GRCh37 (hg19) VCF-style: chr3-182740297-C-A.
Other names: c.1426G>T, p.Gly476Ter (NM_001293273.2); c.1450G>T, p.Gly484Ter (NM_001363880.1); short protein forms G476*, G593*, G484*.
Identifiers: ClinVar variation 2857602 (VCV002857602.3), dbSNP rs2530043474, ClinGen allele CA355316765.